The following is an entry in ClinVar:

ClinVar aggregate classification (germline): Benign. Review status: criteria provided, multiple submitters, no conflicts (2 of 4 stars). 13 submissions from 13 submitters: Benign (9). 4 of the submissions do not count toward it. Last evaluated 2026-02-03.

Conditions:
Episodic ataxia type 2 (EA2). Also called: ACETAZOLAMIDE-RESPONSIVE HEREDITARY PAROXYSMAL CEREBELLAR ATAXIA; EPISODIC ATAXIA, NYSTAGMUS-ASSOCIATED; ATAXIA, EPISODIC, WITH NYSTAGMUS; ATAXIA, FAMILIAL PAROXYSMAL; CEREBELLAR ATAXIA, PAROXYSMAL, ACETAZOLAMIDE-RESPONSIVE; CEREBELLOPATHY, HEREDITARY PAROXYSMAL. Identifiers: Orphanet 97, MedGen C1720416, MONDO:0007163, OMIM 108500.
Developmental and epileptic encephalopathy, 42 (DEE42A). Also called: Epileptic encephalopathy, early infantile, 42; DEVELOPMENTAL AND EPILEPTIC ENCEPHALOPATHY 42A; EPILEPTIC ENCEPHALOPATHY, EARLY INFANTILE, 42A. Identifiers: MedGen C4310716, MONDO:0014917, OMIM 617106.
Inborn genetic diseases. Identifiers: MedGen C0950123, MeSH D030342.

Allele frequency attached by ClinVar (database versions not stated): 1000 Genomes Project 30x 0.16615; 1000 Genomes Project 0.16673; TOPMed 0.16866; gnomAD 0.17482 and 0.17770; ESP Exome Variant Server 0.17552; gnomAD exomes 0.19498 and 0.21630; ExAC 0.19726.
gnomAD v4.1: 341,396 of 1,608,954 alleles (21%); highest among the groups gnomAD compares: South Asian, 23%; 37,769 homozygotes.

Submissions (13):

Labcorp Genetics (formerly Invitae), Labcorp
Classification: Benign for Developmental and epileptic encephalopathy, 42; Episodic ataxia type 2. Last evaluated: 2026-02-03. Review status: criteria provided, single submitter. Criteria: Invitae Variant Classification Sherloc (09022015). Collection method: clinical testing. Allele origin: germline.

Blueprint Genetics
Classification: Benign. Last evaluated: 2024-11-28. Review status: criteria provided, single submitter. Criteria: ACMG Guidelines, 2015. Collection method: clinical testing. Allele origin: germline.

Unidad de Genómica Garrahan, Hospital de Pediatría Garrahan
Classification: Benign. Last evaluated: 2024-07-15. Review status: criteria provided, single submitter. Criteria: ACMG Guidelines, 2015. Collection method: clinical testing. Allele origin: germline. Affected: no. Observed: 27 variant alleles.
Comment: This variant is classified as Benign based on local population frequency. This variant was detected in 29% of patients studied in a panel designed for Epileptic and Developmental Encephalopathy and Progressive Myoclonus Epilepsy. Number of patients: 27. Only high quality variants are reported.

Mayo Clinic Laboratories, Mayo Clinic
Classification: Benign. Last evaluated: 2022-03-24. Review status: criteria provided, single submitter. Criteria: ACMG Guidelines, 2015. Collection method: clinical testing. Allele origin: germline. Observed: 431 variant alleles.

Athena Diagnostics
Classification: Benign. Last evaluated: 2021-05-03. Review status: criteria provided, single submitter. Criteria: Athena Diagnostics criteria. Collection method: clinical testing. Allele origin: unknown.

Ambry Genetics
Classification: Benign for Inborn genetic diseases. Last evaluated: 2016-02-09. Review status: criteria provided, single submitter. Criteria: Ambry Variant Classification Scheme 2023. Collection method: clinical testing. Allele origin: germline.

GeneDx
Classification: Benign. Last evaluated: 2016-01-07. Review status: criteria provided, single submitter. Criteria: GeneDx Variant Classification (06012015). Collection method: clinical testing. Allele origin: germline. Affected: yes.
Comment: This variant is considered likely benign or benign based on one or more of the following criteria: it is a conservative change, it occurs at a poorly conserved position in the protein, it is predicted to be benign by multiple in silico algorithms, and/or has population frequency not consistent with disease.

Breakthrough Genomics
Classification: Benign. Review status: criteria provided, single submitter. Criteria: ACMG Guidelines, 2015. Collection method: not provided. Allele origin: germline. Inheritance: Autosomal dominant inheritance. Affected: yes.

PreventionGenetics, part of Exact Sciences
Classification: Benign. Review status: criteria provided, single submitter. Criteria: ACMG Guidelines, 2015. Collection method: clinical testing. Allele origin: germline.

Clinical Genetics DNA and cytogenetics Diagnostics Lab, Erasmus MC, Erasmus Medical Center
Classification: Benign. Review status: no assertion criteria provided. Collection method: clinical testing. Allele origin: germline. Affected: yes. Study: VKGL Data-share Consensus. Not counted in ClinVar's aggregate classification.

Diagnostic Laboratory, Department of Genetics, University Medical Center Groningen
Classification: Benign. Review status: no assertion criteria provided. Collection method: clinical testing. Allele origin: germline. Affected: yes. Study: VKGL Data-share Consensus. Not counted in ClinVar's aggregate classification.

Genetic Services Laboratory, University of Chicago
Classification: Likely benign for AllHighlyPenetrant. Review status: no assertion criteria provided. Collection method: clinical testing. Allele origin: germline. Inheritance: Autosomal dominant inheritance. Not counted in ClinVar's aggregate classification.
Comment: Likely benign based on allele frequency in 1000 Genomes Project or ESP global frequency and its presence in a patient with a rare or unrelated disease phenotype. NOT Sanger confirmed.

Joint Genome Diagnostic Labs from Nijmegen and Maastricht, Radboudumc and MUMC+
Classification: Benign. Review status: no assertion criteria provided. Collection method: clinical testing. Allele origin: germline. Affected: yes. Study: VKGL Data-share Consensus. Not counted in ClinVar's aggregate classification.

NM_001127222.2(CACNA1A):c.3861T>C (p.Phe1287=)

Gene: CACNA1A (calcium voltage-gated channel subunit alpha1 A; minus strand). Cytogenetic location: 19p13.13.
Variant type: single nucleotide variant.
Coding change: c.3861T>C on transcript NM_001127222.2 (MANE Select); coding-DNA position 3861, T replaced by C.
Protein change: p.Phe1287=; no amino-acid change (phenylalanine 1287 retained).
Molecular consequence: synonymous variant.
Genome position (GRCh38, 1-based): chr19:13,277,090, A>G on the plus strand (T>C on the coding strand, the complement: CACNA1A is on the minus strand). VCF-style: chr19-13277090-A-G. GRCh37 (hg19) VCF-style: chr19-13387904-A-G.
Other names: p.Phe1288=; c.3873T>C, p.Phe1291= (NM_000068.4, NM_023035.3); c.3864T>C, p.Phe1288= (NM_001127221.2, NM_001174080.2).
Identifiers: ClinVar variation 128553 (VCV000128553.33), dbSNP rs16030, ClinGen allele CA152106.